The following is an entry in ClinVar:

NM_017819.4(TRMT10C):c.504C>T (p.Thr168=)

Gene: TRMT10C (tRNA methyltransferase 10C, mitochondrial RNase P subunit; plus strand). Cytogenetic location: 3q12.3.
Variant type: single nucleotide variant.
Coding change: c.504C>T on transcript NM_017819.4 (MANE Select); coding-DNA position 504, C replaced by T.
Protein change: p.Thr168=; no amino-acid change (threonine 168 retained).
Molecular consequence: synonymous variant.
Genome position (GRCh38, 1-based): chr3:101,565,285, C>T. VCF-style: chr3-101565285-C-T. GRCh37 (hg19) VCF-style: chr3-101284129-C-T.
Identifiers: ClinVar variation 3052175 (VCV003052175.2), dbSNP rs756982289, ClinGen allele CA2520539.

ClinVar aggregate classification (germline): Likely benign (0 of 4 stars; one submission).

Conditions:
TRMT10C-related disorder. Also called: TRMT10C-related condition.

Allele frequency attached by ClinVar (database versions not stated): gnomAD 0.00001; gnomAD exomes 0.00001; ExAC 0.00002; TOPMed 0.00002.

Submission:

PreventionGenetics, part of Exact Sciences
Classification: Likely benign for TRMT10C-related condition. Last evaluated: 2020-02-05. Review status: no assertion criteria provided. Collection method: clinical testing. Allele origin: germline.
Comment: This variant is classified as likely benign based on ACMG/AMP sequence variant interpretation guidelines (Richards et al. 2015 PMID: 25741868, with internal and published modifications).